The following is an entry in ClinVar:

ClinVar aggregate classification (germline): Likely benign (1 of 4 stars; one submission).

Allele frequency attached by ClinVar (database versions not stated): 1000 Genomes Project 30x 0.00016; 1000 Genomes Project 0.00020; gnomAD 0.00049; TOPMed 0.00049; ESP Exome Variant Server 0.00054; ExAC 0.00074.
gnomAD v4.1: 1,155 of 1,563,446 alleles (0.074%); highest among the groups gnomAD compares: Non-Finnish European, 0.091%; 1 homozygote.

Submission:

CeGaT Center for Human Genetics Tuebingen
Classification: Likely benign. Last evaluated: 2026-07-01. Review status: criteria provided, single submitter. Criteria: CeGaT Center For Human Genetics Tuebingen Variant Classification Criteria Version 2. Collection method: clinical testing. Allele origin: germline. Affected: yes. Observed: 12 variant alleles.
Comment: TANC2: BP4, BP7

NM_001394998.1(TANC2):c.4428G>A (p.Pro1476=)

Gene: TANC2 (tetratricopeptide repeat, ankyrin repeat and coiled-coil containing 2; plus strand). Cytogenetic location: 17q23.3.
Variant type: single nucleotide variant.
Coding change: c.4428G>A on transcript NM_001394998.1 (MANE Select); coding-DNA position 4428, G replaced by A.
Protein change: p.Pro1476=; no amino-acid change (proline 1476 retained).
Molecular consequence: synonymous variant.
Genome position (GRCh38, 1-based): chr17:63,420,158, G>A. VCF-style: chr17-63420158-G-A. GRCh37 (hg19) VCF-style: chr17-61497519-G-A.
Other names: c.4206G>A, p.Pro1402= (NM_001411076.1); c.4176G>A, p.Pro1392= (NM_025185.4).
Identifiers: ClinVar variation 2648063 (VCV002648063.24), dbSNP rs374790933, ClinGen allele CA8698242.